The following is an entry in ClinVar:

ClinVar aggregate classification (germline): Benign/Likely benign. Review status: criteria provided, multiple submitters, no conflicts (2 of 4 stars). 6 submissions from 6 submitters: Benign (1); Likely benign (5). Last evaluated 2026-02-01.

Conditions:
Hereditary cancer-predisposing syndrome. Also called: Neoplastic Syndromes, Hereditary; Hereditary neoplastic syndrome; Tumor predisposition; Hereditary Cancer Syndrome. Identifiers: Orphanet 140162, MedGen C0027672, MeSH D009386, MONDO:0015356.
Ataxia-telangiectasia syndrome (AT). Also called: Ataxia telangiectasia (A-T); Cerebello-oculocutaneous telangiectasia; Immunodeficiency with ataxia telangiectasia; LOUIS-BAR SYNDROME; AT, COMPLEMENTATION GROUP C; ATAXIA-TELANGIECTASIA, FRESNO VARIANT. Identifiers: Orphanet 100, MedGen C0004135, MONDO:0008840, OMIM 208900.
Familial cancer of breast. Also called: hereditary breast carcinoma; Hereditary breast cancer; BREAST CANCER, FAMILIAL. Identifiers: Orphanet 227535, MedGen C0346153, MONDO:0016419, OMIM 114480. Disease mechanism: loss of function.

Allele frequency attached by ClinVar (database versions not stated): gnomAD exomes below 0.00001.
gnomAD v4.1: 2 of 1,608,672 alleles (0.00012%); highest among the groups gnomAD compares: Non-Finnish European, 0.00017%; no homozygotes.

Submissions (6):

CeGaT Center for Human Genetics Tuebingen
Classification: Likely benign. Last evaluated: 2026-02-01. Review status: criteria provided, single submitter. Criteria: CeGaT Center For Human Genetics Tuebingen Variant Classification Criteria Version 2. Collection method: clinical testing. Allele origin: germline. Affected: yes. Observed: 1 variant allele.
Comment: ATM: BP4, BP7

Labcorp Genetics (formerly Invitae), Labcorp
Classification: Likely benign for Ataxia-telangiectasia syndrome. Last evaluated: 2025-07-27. Review status: criteria provided, single submitter. Criteria: Invitae Variant Classification Sherloc (09022015). Collection method: clinical testing. Allele origin: germline.

Myriad Genetics, Inc.
Classification: Benign for Familial cancer of breast. Last evaluated: 2024-06-07. Review status: criteria provided, single submitter. Criteria: Myriad Autosomal Dominant, Autosomal Recessive and X-Linked Classification Criteria (2023). Collection method: clinical testing. Allele origin: unknown.
Comment: This variant is considered benign. This variant is a silent/synonymous amino acid change and it is not expected to impact splicing.

Color Diagnostics, LLC DBA Color Health
Classification: Likely benign for Hereditary cancer-predisposing syndrome. Last evaluated: 2018-11-27. Review status: criteria provided, single submitter. Criteria: ACMG Guidelines, 2015. Collection method: clinical testing. Allele origin: germline.

GeneDx
Classification: Likely benign. Last evaluated: 2015-10-19. Review status: criteria provided, single submitter. Criteria: GeneDx Variant Classification (06012015). Collection method: clinical testing. Allele origin: germline. Affected: yes.
Comment: This variant is considered likely benign or benign based on one or more of the following criteria: it is a conservative change, it occurs at a poorly conserved position in the protein, it is predicted to be benign by multiple in silico algorithms, and/or has population frequency not consistent with disease.

Ambry Genetics
Classification: Likely benign for Hereditary cancer-predisposing syndrome. Last evaluated: 2015-01-19. Review status: criteria provided, single submitter. Criteria: Ambry Variant Classification Scheme 2023. Collection method: clinical testing. Allele origin: germline.

NM_000051.4(ATM):c.6603A>G (p.Val2201=)

Genes: C11orf65 (chromosome 11 open reading frame 65; minus strand), ATM (ATM serine/threonine kinase; plus strand). Cytogenetic location: 11q22.3.
Variant type: single nucleotide variant.
Coding change: c.6603A>G on transcript NM_000051.4 (MANE Select); coding-DNA position 6603, A replaced by G.
Protein change: p.Val2201=; no amino-acid change (valine 2201 retained).
Molecular consequence: synonymous variant. On other transcripts: intron variant (2).
Genome position (GRCh38, 1-based): chr11:108,325,340, A>G. VCF-style: chr11-108325340-A-G. GRCh37 (hg19) VCF-style: chr11-108196067-A-G.
Other names: c.6603A>G, p.Val2201= (NM_001351834.2); c.641-16269T>C (NM_001330368.2); c.*38+9880T>C (NM_001351110.2).
Identifiers: ClinVar variation 215591 (VCV000215591.61), dbSNP rs863224297, ClinGen allele CA336839.